The following is an entry in ClinVar:

ClinVar aggregate classification (germline): Uncertain significance (1 of 4 stars; one submission).

Allele frequency attached by ClinVar (database versions not stated): TOPMed 0.00001; gnomAD 0.00003.

Submission:

Labcorp Genetics (formerly Invitae), Labcorp
Classification: Uncertain significance. Last evaluated: 2023-11-27. Review status: criteria provided, single submitter. Criteria: Invitae Variant Classification Sherloc (09022015). Collection method: clinical testing. Allele origin: germline.
Comment: This sequence change replaces glutamic acid, which is acidic and polar, with lysine, which is basic and polar, at codon 205 of the FSCN2 protein (p.Glu205Lys). This variant is present in population databases (no rsID available, gnomAD 0.01%). This variant has not been reported in the literature in individuals affected with FSCN2-related conditions. ClinVar contains an entry for this variant (Variation ID: 1041156). An algorithm developed to predict the effect of missense changes on protein structure and function (PolyPhen-2) suggests that this variant is likely to be disruptive. In summary, the available evidence is currently insufficient to determine the role of this variant in disease. Therefore, it has been classified as a Variant of Uncertain Significance.

NM_012418.4(FSCN2):c.613G>A (p.Glu205Lys)

Gene: FSCN2 (fascin actin-bundling protein 2, retinal; plus strand). Cytogenetic location: 17q25.3.
Variant type: single nucleotide variant.
Coding change: c.613G>A on transcript NM_012418.4 (MANE Select); coding-DNA position 613, G replaced by A.
Protein change: p.Glu205Lys; replaces glutamic acid 205 with lysine.
Molecular consequence: missense variant.
Genome position (GRCh38, 1-based): chr17:81,529,144, G>A. VCF-style: chr17-81529144-G-A. GRCh37 (hg19) VCF-style: chr17-79496170-G-A.
Other names: c.613G>A, p.Glu205Lys (NM_001077182.3); short protein forms E205K.
Identifiers: ClinVar variation 1041156 (VCV001041156.9), dbSNP rs1170625343, ClinGen allele CA401472008.